The following is an entry in ClinVar:

NM_007325.5(GRIA3):c.647G>A (p.Arg216Gln)

Gene: GRIA3 (glutamate ionotropic receptor AMPA type subunit 3; plus strand). Cytogenetic location: Xq25.
Variant type: single nucleotide variant.
Coding change: c.647G>A on transcript NM_007325.5 (MANE Select); coding-DNA position 647, G replaced by A.
Protein change: p.Arg216Gln; replaces arginine 216 with glutamine.
Molecular consequence: missense variant.
Genome position (GRCh38, 1-based): chrX:123,326,164, G>A. VCF-style: chrX-123326164-G-A. GRCh37 (hg19) VCF-style: chrX-122460015-G-A.
Other names: c.647G>A, p.Arg216Gln (NM_000828.5); short protein forms R216Q.
Identifiers: ClinVar variation 1186565 (VCV001186565.18), dbSNP rs753214982, ClinGen allele CA10506922.

ClinVar aggregate classification (germline): Conflicting classifications of pathogenicity. Review status: criteria provided, conflicting classifications (1 of 4 stars). 5 submissions from 5 submitters: Uncertain significance (2); Likely benign (2). 1 of the submissions does not count toward it. Last evaluated 2025-12-01.

Conditions:
GRIA3-related disorder. Also called: GRIA3-related condition.
Inborn genetic diseases. Identifiers: MedGen C0950123, MeSH D030342.

Allele frequency attached by ClinVar (database versions not stated): gnomAD exomes 0.00005 and 0.00004; ExAC 0.00001; gnomAD 0.00001 and 0.00002; TOPMed 0.00003.
gnomAD v4.1: 59 of 1,208,549 alleles (0.0049%); highest among the groups gnomAD compares: Non-Finnish European, 0.006%; no homozygotes.

Submissions (5):

CeGaT Center for Human Genetics Tuebingen
Classification: Likely benign. Last evaluated: 2025-12-01. Review status: criteria provided, single submitter. Criteria: CeGaT Center For Human Genetics Tuebingen Variant Classification Criteria Version 2. Collection method: clinical testing. Allele origin: germline. Affected: yes. Observed: 1 variant allele.
Comment: GRIA3: PP3, BS2

Labcorp Genetics (formerly Invitae), Labcorp
Classification: Uncertain significance. Last evaluated: 2025-02-15. Review status: criteria provided, single submitter. Criteria: Invitae Variant Classification Sherloc (09022015). Collection method: clinical testing. Allele origin: germline.
Comment: This sequence change replaces arginine, which is basic and polar, with glutamine, which is neutral and polar, at codon 216 of the GRIA3 protein (p.Arg216Gln). This variant is present in population databases (rs753214982, gnomAD 0.007%). This missense change has been observed in individual(s) with clinical features of GRIA3-related conditions (PMID: 31209962). ClinVar contains an entry for this variant (Variation ID: 1186565). Invitae Evidence Modeling of protein sequence and biophysical properties (such as structural, functional, and spatial information, amino acid conservation, physicochemical variation, residue mobility, and thermodynamic stability) indicates that this missense variant is not expected to disrupt GRIA3 protein function with a negative predictive value of 80%. In summary, the available evidence is currently insufficient to determine the role of this variant in disease. Therefore, it has been classified as a Variant of Uncertain Significance.

GeneDx
Classification: Likely benign. Last evaluated: 2021-04-06. Review status: criteria provided, single submitter. Criteria: GeneDx Variant Classification Process June 2021. Collection method: clinical testing. Allele origin: germline. Affected: yes.
Comment: This variant is associated with the following publications: (PMID: 31209962, 31144778)

Ambry Genetics
Classification: Uncertain significance for Inborn genetic diseases. Last evaluated: 2017-07-12. Review status: criteria provided, single submitter. Criteria: Ambry Variant Classification Scheme 2023. Collection method: clinical testing. Allele origin: germline.
Comment: The p.R216Q variant (also known as c.647G>A), located in coding exon 4 of the GRIA3 gene, results from a G to A substitution at nucleotide position 647. The arginine at codon 216 is replaced by glutamine, an amino acid with highly similar properties. This amino acid position is highly conserved in available vertebrate species. In addition, this alteration is predicted to be deleterious by in silico analysis. Since supporting evidence is limited at this time, the clinical significance of this alteration remains unclear.

PreventionGenetics, part of Exact Sciences
Classification: Uncertain significance for GRIA3-related condition. Last evaluated: 2024-07-09. Review status: no assertion criteria provided. Collection method: clinical testing. Allele origin: germline. Not counted in ClinVar's aggregate classification.
Comment: The GRIA3 c.647G>A variant is predicted to result in the amino acid substitution p.Arg216Gln. This variant was reported in an individual with intellectual disability, autism spectrum disorder/autistic traits, epilepsy and macrocephaly (see patient 72, MR2140 in Supplement for Carraro et al. 2019. PubMed ID: 31144778 and Table S1 in Aspromonte et al. 2019. PubMed ID: 31209962). This variant is reported in 0.0071% of alleles in individuals of Latino descent in gnomAD. At this time, the clinical significance of this variant is uncertain due to the absence of conclusive functional and genetic evidence.

Literature cited by the submitters: PubMed 31209962 (cited by Labcorp Genetics (formerly Invitae), Labcorp).